The following is an entry in ClinVar:

ClinVar aggregate classification (germline): Pathogenic/Likely pathogenic. Review status: criteria provided, multiple submitters, no conflicts (2 of 4 stars). 5 submissions from 5 submitters: Pathogenic (2); Likely pathogenic (1). 2 of the submissions do not count toward it. Last evaluated 2025-01-28.

Conditions:
INPPL1-related disorders.
Opsismodysplasia (OPSMD). Also called: INPPL1-Related Opsismodysplasia. Identifiers: Orphanet 2746, MedGen C0432219, MONDO:0009785, OMIM 258480.

Allele frequency attached by ClinVar (database versions not stated): gnomAD 0.00001; gnomAD exomes 0.00001 and 0.00002; TOPMed 0.00001; ExAC 0.00002.

Submissions (5):

Labcorp Genetics (formerly Invitae), Labcorp
Classification: Pathogenic. Last evaluated: 2025-01-28. Review status: criteria provided, single submitter. Criteria: Invitae Variant Classification Sherloc (09022015). Collection method: clinical testing. Allele origin: germline.
Comment: This sequence change creates a premature translational stop signal (p.Glu258Alafs*45) in the INPPL1 gene. It is expected to result in an absent or disrupted protein product. Loss-of-function variants in INPPL1 are known to be pathogenic (PMID: 23273567, 23273569). This variant is present in population databases (rs746647683, gnomAD 0.004%). This premature translational stop signal has been observed in individual(s) with opsismodysplasia (PMID: 23273567, 28869677). In at least one individual the data is consistent with being in trans (on the opposite chromosome) from a pathogenic variant. ClinVar contains an entry for this variant (Variation ID: 235824). For these reasons, this variant has been classified as Pathogenic.

Blueprint Genetics
Classification: Pathogenic for INPPL1-related disorders. Last evaluated: 2024-10-23. Review status: criteria provided, single submitter. Criteria: ACMG Guidelines, 2015. Collection method: clinical testing. Allele origin: germline. Affected: yes. Observed: 1 variant allele.

GeneDx
Classification: Likely pathogenic. Last evaluated: 2024-05-22. Review status: criteria provided, single submitter. Criteria: GeneDx Variant Classification Process June 2021. Collection method: clinical testing. Allele origin: germline. Affected: yes.
Comment: Frameshift variant predicted to result in protein truncation or nonsense mediated decay in a gene for which loss-of-function is a known mechanism of disease; This variant is associated with the following publications: (PMID: 28869677, 23273567)

University of Washington Center for Mendelian Genomics, University of Washington
Classification: Pathogenic for Opsismodysplasia. Last evaluated: 2013-01-08. Review status: no assertion criteria provided. Collection method: research. Allele origin: unknown. Affected: yes. Not counted in ClinVar's aggregate classification.

Cormier-Daire Lab, IMAGINE
Classification: Pathogenic for Opsismodysplasia. Review status: no assertion criteria provided. Collection method: research. Allele origin: inherited. Inheritance: Autosomal recessive inheritance. Affected: yes. Not counted in ClinVar's aggregate classification.

Literature cited by the submitters: PubMed 23273567 (cited by Labcorp Genetics (formerly Invitae), Labcorp and University of Washington Center for Mendelian Genomics, University of Washington); PubMed 23273569 (cited by Labcorp Genetics (formerly Invitae), Labcorp); PubMed 28869677 (cited by Labcorp Genetics (formerly Invitae), Labcorp).

NM_001567.4(INPPL1):c.768_769del (p.Glu258fs)

Gene: INPPL1 (inositol polyphosphate phosphatase like 1; plus strand). Cytogenetic location: 11q13.4.
Variant type: Deletion.
Coding change: c.768_769del on transcript NM_001567.4 (MANE Select); coding-DNA positions 768 to 769, 2 bases deleted (AG; older notation c.768_769delAG).
Protein change: p.Glu258fs; shifts the reading frame from glutamic acid 258.
Molecular consequence: frameshift variant.
Genome position (GRCh38, 1-based): chr11:72,229,677-72,229,678, AG deleted. VCF-style (leftmost placement, unchanged base first): chr11-72229676-CAG-C. GRCh37 (hg19) VCF-style: chr11-71940720-CAG-C.
Other names: c.768_769delAG (NM_001567.3); c.768_769del (NM_001567.3); short protein forms E258fs.
Identifiers: ClinVar variation 235824 (VCV000235824.9), dbSNP rs746647683, ClinGen allele CA6169791.
Genomic context (GRCh38, chr11:72,229,676, plus strand): 5'-CTCTGCTTAGGTGACTCATGTACAAGCCTGGTTCTTCCTCCCCCCAGAACCTGCCACAGA[CAG>C]GGGAGCAGGAACTAGAGAGCCTGGTGCTGAAGCTGTCAGTGCTAAAGGACTTCCTGTCAG-3'